The following is an entry in ClinVar:

ClinVar aggregate classification (germline): Uncertain significance. Review status: criteria provided, multiple submitters, no conflicts (2 of 4 stars). 2 submissions from 2 submitters: Uncertain significance (2). Last evaluated 2025-09-26.

Conditions:
Agammaglobulinemia 2, autosomal recessive (AGM2). Also called: AGAMMAGLOBULINEMIA, AUTOSOMAL RECESSIVE, DUE TO IGLL1 DEFECT. Identifiers: MedGen C3150750, MONDO:0013287, OMIM 613500.

Allele frequency attached by ClinVar (database versions not stated): TOPMed below 0.00001.

Submissions (2):

Ambry Genetics
Classification: Uncertain significance. Last evaluated: 2025-09-26. Review status: criteria provided, single submitter. Criteria: Ambry Variant Classification Scheme 2023. Collection method: clinical testing. Allele origin: germline.

Labcorp Genetics (formerly Invitae), Labcorp
Classification: Uncertain significance for Agammaglobulinemia 2, autosomal recessive. Last evaluated: 2023-12-09. Review status: criteria provided, single submitter. Criteria: Invitae Variant Classification Sherloc (09022015). Collection method: clinical testing. Allele origin: germline.
Comment: This sequence change replaces glutamine, which is neutral and polar, with proline, which is neutral and non-polar, at codon 88 of the IGLL1 protein (p.Gln88Pro). This variant is not present in population databases (gnomAD no frequency). This variant has not been reported in the literature in individuals affected with IGLL1-related conditions. An algorithm developed to predict the effect of missense changes on protein structure and function (PolyPhen-2) suggests that this variant is likely to be tolerated. In summary, the available evidence is currently insufficient to determine the role of this variant in disease. Therefore, it has been classified as a Variant of Uncertain Significance.

NM_020070.4(IGLL1):c.263A>C (p.Gln88Pro)

Gene: IGLL1 (immunoglobulin lambda like polypeptide 1; minus strand). Cytogenetic location: 22q11.23.
Variant type: single nucleotide variant.
Coding change: c.263A>C on transcript NM_020070.4 (MANE Select); coding-DNA position 263, A replaced by C.
Protein change: p.Gln88Pro; replaces glutamine 88 with proline.
Molecular consequence: missense variant. On other transcripts: intron variant (1).
Genome position (GRCh38, 1-based): chr22:23,575,026, T>G on the plus strand (A>C on the coding strand, the complement: IGLL1 is on the minus strand). VCF-style: chr22-23575026-T-G. GRCh37 (hg19) VCF-style: chr22-23917213-T-G.
Other names: c.266A>C, p.Gln89Pro (NM_001369906.1); c.207-1441A>C (NM_152855.3); short protein forms Q88P, Q89P.
Identifiers: ClinVar variation 2965789 (VCV002965789.4), dbSNP rs1046976508, ClinGen allele CA322556320.